The following is an entry in ClinVar:

ClinVar aggregate classification (germline): Pathogenic (0 of 4 stars; one submission).

Conditions:
Malignant tumor of breast. Also called: Malignant breast neoplasm; Cancer breast. Identifiers: MedGen C0006142, MONDO:0007254. Disease mechanism: loss of function.

Submission:

Department of Pathology and Laboratory Medicine, Sinai Health System
Classification: Pathogenic for Malignant tumor of breast. Review status: no assertion criteria provided. Collection method: clinical testing. Allele origin: unknown. Affected: yes. Study: The Canadian Open Genetics Repository (COGR).
Comment: The BRCA1 p.Val1714Alafs*5 variant was not identified in the literature nor was it identified in the dbSNP, ClinVar, or LOVD 3.0, databases. The variant was not identified in the following control databases: the Exome Aggregation Consortium (August 8th 2016), or the Genome Aggregation Database (Feb 27, 2017). The c.5141_5144del variant is predicted to cause a frameshift, which alters the protein's amino acid sequence beginning at codon 1714 and leads to a premature stop codon at position 1718. This alteration is then predicted to result in a truncated or absent protein and loss of function. Loss of function variants of the BRCA1 gene are an established mechanism of disease in BRCA associated cancers and is the type of variant expected to cause the disorder. In summary, based on the above information this variant meets our laboratoryâ€šÃ„Ã´s criteria to be classified as pathogenic.

NM_007294.4(BRCA1):c.5141_5144del (p.Val1714fs)

Gene: BRCA1 (BRCA1 DNA repair associated; minus strand). Cytogenetic location: 17q21.31.
Variant type: Deletion.
Coding change: c.5141_5144del on transcript NM_007294.4 (MANE Select); coding-DNA positions 5141 to 5144, 4 bases deleted (TTAG; older notation c.5141_5144delTTAG).
Protein change: p.Val1714fs; shifts the reading frame from valine 1714.
Molecular consequence: frameshift variant. On other transcripts: non-coding transcript variant (1).
Genome position (GRCh38, 1-based): chr17:43,063,882-43,063,885, CTAA deleted on the plus strand (TTAG on the coding strand, the reverse complement: BRCA1 is on the minus strand); deleting any 4 consecutive bases within chr17:43,063,882-43,063,888 gives the same sequence; the c. name uses the placement nearest the transcript's 3' end. VCF-style (leftmost placement, unchanged base first): chr17-43063881-GCTAA-G. GRCh37 (hg19) VCF-style: chr17-41215898-GCTAA-G.
Other names: c.4805_4808delTAGT, p.Val1603Alafs (NM_001407949.1, NM_001407946.1, NM_001407947.1 and 1 more transcripts); c.1826_1829delTAGT, p.Val610Alafs (NM_001407992.1, NM_001407993.1, NM_001407979.1 and 12 more transcripts); c.4802_4805delTAGT, p.Val1602Alafs (NM_001407950.1, NM_001407951.1, NM_001407952.1 and 3 more transcripts); c.1823_1826delTAGT, p.Val609Alafs (NM_001408392.1, NM_001408396.1, NM_001408397.1 and 8 more transcripts); c.4799_4802delTAGT, p.Val1601Alafs (NM_001407956.1, NM_001407957.1, NM_001407958.1); c.4757_4760delTAGT, p.Val1587Alafs (NM_001407959.1); c.4754_4757delTAGT, p.Val1586Alafs (NM_001407960.1, NM_001407962.1); c.4751_4754delTAGT, p.Val1585Alafs (NM_001407963.1); and 74 more; short protein forms V1667fs, V1714fs, V1735fs, V610fs.
Identifiers: ClinVar variation 1049103 (VCV001049103.2), dbSNP rs2153585533, ClinGen allele CA2499224379.